The following is an entry in ClinVar:

NM_004370.6(COL12A1):c.5937+13G>T

Gene: COL12A1 (collagen type XII alpha 1 chain; minus strand). Cytogenetic location: 6q13.
Variant type: single nucleotide variant.
Coding change: c.5937+13G>T on transcript NM_004370.6 (MANE Select); 13 bases into the intron after coding-DNA position 5937, G replaced by T.
Molecular consequence: intron variant.
Genome position (GRCh38, 1-based): chr6:75,131,927, C>A on the plus strand (G>T on the coding strand, the complement: COL12A1 is on the minus strand). VCF-style: chr6-75131927-C-A. GRCh37 (hg19) VCF-style: chr6-75841643-C-A.
Other names: c.2445+13G>T (NM_080645.3).
Identifiers: ClinVar variation 1630937 (VCV001630937.10), dbSNP rs769986889, ClinGen allele CA3892966.
Genomic context (GRCh38, chr6:75,131,927, plus strand): 5'-AGGCTATCAAACGTGACACAAACATGTGACTACATTCACCAGGAAATGCAGTTTCCATGA[C>A]AAAATTACTTACAGATTCTGAGGGTCTTGTGCCATCCACAGGAGAATACACAACGCGATA-3'

ClinVar aggregate classification (germline): Likely benign. Review status: criteria provided, multiple submitters, no conflicts (2 of 4 stars). 3 submissions from 3 submitters: Likely benign (3). Last evaluated 2026-04-06.

Conditions:
Ullrich congenital muscular dystrophy 2 (UCMD2). Identifiers: Orphanet 75840, MedGen C4225314, MONDO:0014654, OMIM 616470.
Bethlem myopathy 2 (BTHLM2). Identifiers: Orphanet 536516, Orphanet 610, MedGen C4225313, MONDO:0034022, OMIM 616471.

Allele frequency attached by ClinVar (database versions not stated): gnomAD exomes below 0.00001 and 0.00002; ExAC 0.00001; TOPMed 0.00002.
gnomAD v4.1: 36 of 1,612,952 alleles (0.0022%); highest among the groups gnomAD compares: East Asian, 0.011%; no homozygotes.

Submissions (3):

Women's Health and Genetics/Laboratory Corporation of America, LabCorp
Classification: Likely benign. Last evaluated: 2026-04-06. Review status: criteria provided, single submitter. Criteria: LabCorp Variant Classification Summary - May 2015. Collection method: clinical testing. Allele origin: germline.
Comment: Variant summary: COL12A1 c.5937+13G>T alters a non-conserved nucleotide located at a position not widely known to affect splicing. Consensus agreement among computation tools predict no significant impact on normal splicing. However, these predictions have yet to be confirmed by functional studies. The variant allele was found at a frequency of 1.6e-05 in 247804 control chromosomes. The available data on variant occurrences in the general population are insufficient to allow any conclusion about variant significance. To our knowledge, no occurrence of c.5937+13G>T in individuals affected with COL12A1-related conditions and no experimental evidence demonstrating its impact on protein function have been reported. ClinVar contains an entry for this variant (Variation ID: 1630937). Based on the evidence outlined above, the variant was classified as likely benign.

Labcorp Genetics (formerly Invitae), Labcorp
Classification: Likely benign for Bethlem myopathy 2; Ullrich congenital muscular dystrophy 2. Last evaluated: 2026-01-16. Review status: criteria provided, single submitter. Criteria: Invitae Variant Classification Sherloc (09022015). Collection method: clinical testing. Allele origin: germline.

Blueprint Genetics
Classification: Likely benign. Last evaluated: 2024-02-01. Review status: criteria provided, single submitter. Criteria: ACMG Guidelines, 2015. Collection method: clinical testing. Allele origin: germline.